The following is an entry in ClinVar:

NM_005477.3(HCN4):c.990G>T (p.Pro330=)

Genes: HCN4 (hyperpolarization activated cyclic nucleotide gated potassium channel 4; minus strand), LOC126862173 (CDK7 strongly-dependent group 2 enhancer GRCh37_chr15:73635762-73636961; plus strand), LOC105370890 (uncharacterized LOC105370890; plus strand). Cytogenetic location: 15q24.1.
Variant type: single nucleotide variant.
Coding change: c.990G>T on transcript NM_005477.3 (MANE Select); coding-DNA position 990, G replaced by T.
Protein change: p.Pro330=; no amino-acid change (proline 330 retained).
Molecular consequence: synonymous variant.
Genome position (GRCh38, 1-based): chr15:73,343,604, C>A on the plus strand (G>T on the coding strand, the complement: HCN4 is on the minus strand). VCF-style: chr15-73343604-C-A. GRCh37 (hg19) VCF-style: chr15-73635945-C-A.
Identifiers: ClinVar variation 388974 (VCV000388974.12), dbSNP rs146954200, ClinGen allele CA16607014.

ClinVar aggregate classification (germline): Likely benign. Review status: criteria provided, multiple submitters, no conflicts (2 of 4 stars). 2 submissions from 2 submitters: Likely benign (2). Last evaluated 2025-10-13.

Conditions:
Brugada syndrome 8 (BRGDA8). Identifiers: Orphanet 130, MedGen C2751083, MONDO:0013148, OMIM 613123.

Allele frequency attached by ClinVar (database versions not stated): TOPMed 0.00001.
gnomAD v4.1: 1 of 1,614,072 alleles (0.000062%); highest among the groups gnomAD compares: Non-Finnish European, 0.000085%; no homozygotes.

Submissions (2):

Labcorp Genetics (formerly Invitae), Labcorp
Classification: Likely benign for Brugada syndrome 8. Last evaluated: 2025-10-13. Review status: criteria provided, single submitter. Criteria: Invitae Variant Classification Sherloc (09022015). Collection method: clinical testing. Allele origin: germline.

GeneDx
Classification: Likely benign. Last evaluated: 2016-08-31. Review status: criteria provided, single submitter. Criteria: GeneDx Variant Classification (06012015). Collection method: clinical testing. Allele origin: germline. Affected: yes.
Comment: This variant is considered likely benign or benign based on one or more of the following criteria: it is a conservative change, it occurs at a poorly conserved position in the protein, it is predicted to be benign by multiple in silico algorithms, and/or has population frequency not consistent with disease.